The following is an entry in ClinVar:

NM_152564.5(VPS13B):c.4970G>A (p.Arg1657Lys)

Gene: VPS13B (vacuolar protein sorting 13 homolog B; plus strand). Cytogenetic location: 8q22.2.
Variant type: single nucleotide variant.
Coding change: c.4970G>A on transcript NM_152564.5 (MANE Select); coding-DNA position 4970, G replaced by A.
Protein change: p.Arg1657Lys; replaces arginine 1657 with lysine.
Molecular consequence: missense variant.
Genome position (GRCh38, 1-based): chr8:99,575,678, G>A. VCF-style: chr8-99575678-G-A. GRCh37 (hg19) VCF-style: chr8-100587906-G-A.
Other names: c.5045G>A (NM_017890.3); c.5045G>A, p.Arg1682Lys (NM_017890.5); short protein forms R1682K, R1657K.
Identifiers: ClinVar variation 1436951 (VCV001436951.8), dbSNP rs903367949, ClinGen allele CA182998631.

ClinVar aggregate classification (germline): Uncertain significance. Review status: criteria provided, multiple submitters, no conflicts (2 of 4 stars). 2 submissions from 2 submitters: Uncertain significance (2). Last evaluated 2025-11-26.

Conditions:
Inborn genetic diseases. Identifiers: MedGen C0950123, MeSH D030342.
Cohen syndrome (COH1). Also called: PEPPER SYNDROME; Cutis verticis gyrata, retinitis pigmentosa, and sensorineural deafness. Identifiers: Orphanet 193, MedGen C0265223, MONDO:0008999, OMIM 216550.

Allele frequency attached by ClinVar (database versions not stated): gnomAD exomes below 0.00001.
gnomAD v4.1: 4 of 1,613,890 alleles (0.00025%); highest among the groups gnomAD compares: Non-Finnish European, 0.00025%; no homozygotes.

Submissions (2):

Ambry Genetics
Classification: Uncertain significance for Inborn genetic diseases. Last evaluated: 2025-11-26. Review status: criteria provided, single submitter. Criteria: Ambry Variant Classification Scheme 2023. Collection method: clinical testing. Allele origin: germline.

Labcorp Genetics (formerly Invitae), Labcorp
Classification: Uncertain significance for Cohen syndrome. Last evaluated: 2024-05-29. Review status: criteria provided, single submitter. Criteria: Invitae Variant Classification Sherloc (09022015). Collection method: clinical testing. Allele origin: germline.
Comment: This sequence change replaces arginine with lysine at codon 1682 of the VPS13B protein (p.Arg1682Lys). The arginine residue is moderately conserved and there is a small physicochemical difference between arginine and lysine. This variant is not present in population databases (gnomAD no frequency). This variant has not been reported in the literature in individuals affected with VPS13B-related conditions. ClinVar contains an entry for this variant (Variation ID: 1436951). Advanced modeling of protein sequence and biophysical properties (such as structural, functional, and spatial information, amino acid conservation, physicochemical variation, residue mobility, and thermodynamic stability) performed at Invitae indicates that this missense variant is not expected to disrupt VPS13B protein function with a negative predictive value of 80%. In summary, the available evidence is currently insufficient to determine the role of this variant in disease. Therefore, it has been classified as a Variant of Uncertain Significance.